The following is an entry in ClinVar:

ClinVar aggregate classification (germline): Uncertain significance. Review status: criteria provided, multiple submitters, no conflicts (2 of 4 stars). 2 submissions from 2 submitters: Uncertain significance (2). Last evaluated 2026-03-05.

Conditions:
Hereditary cancer-predisposing syndrome. Also called: Neoplastic Syndromes, Hereditary; Hereditary neoplastic syndrome; Tumor predisposition; Hereditary Cancer Syndrome. Identifiers: Orphanet 140162, MedGen C0027672, MeSH D009386, MONDO:0015356.

Submissions (2):

Ambry Genetics
Classification: Uncertain significance for Hereditary cancer-predisposing syndrome. Last evaluated: 2026-03-05. Review status: criteria provided, single submitter. Criteria: Ambry Variant Classification Scheme 2023. Collection method: clinical testing. Allele origin: germline.
Comment: The p.G167V variant (also known as c.500G>T), located in coding exon 4 of the FH gene, results from a G to T substitution at nucleotide position 500. The glycine at codon 167 is replaced by valine, an amino acid with dissimilar properties. This amino acid position is highly conserved in available vertebrate species. In addition, this alteration is predicted to be deleterious by in silico analysis. Based on the available evidence, the clinical significance of this variant remains unclear.

Labcorp Genetics (formerly Invitae), Labcorp
Classification: Uncertain significance. Last evaluated: 2024-09-10. Review status: criteria provided, single submitter. Criteria: Invitae Variant Classification Sherloc (09022015). Collection method: clinical testing. Allele origin: germline.
Comment: This sequence change replaces glycine, which is neutral and non-polar, with valine, which is neutral and non-polar, at codon 167 of the FH protein (p.Gly167Val). This variant is not present in population databases (gnomAD no frequency). This variant has not been reported in the literature in individuals affected with FH-related conditions. ClinVar contains an entry for this variant (Variation ID: 579436). Invitae Evidence Modeling of protein sequence and biophysical properties (such as structural, functional, and spatial information, amino acid conservation, physicochemical variation, residue mobility, and thermodynamic stability) indicates that this missense variant is expected to disrupt FH protein function with a positive predictive value of 95%. In summary, the available evidence is currently insufficient to determine the role of this variant in disease. Therefore, it has been classified as a Variant of Uncertain Significance.

NM_000143.4(FH):c.500G>T (p.Gly167Val)

Gene: FH (fumarate hydratase; minus strand). Cytogenetic location: 1q43.
Variant type: single nucleotide variant.
Coding change: c.500G>T on transcript NM_000143.4 (MANE Select); coding-DNA position 500, G replaced by T.
Protein change: p.Gly167Val; replaces glycine 167 with valine.
Molecular consequence: missense variant.
Genome position (GRCh38, 1-based): chr1:241,512,022, C>A on the plus strand (G>T on the coding strand, the complement: FH is on the minus strand). VCF-style: chr1-241512022-C-A. GRCh37 (hg19) VCF-style: chr1-241675322-C-A.
Other names: short protein forms G167V.
Identifiers: ClinVar variation 579436 (VCV000579436.15), dbSNP rs1558400520, ClinGen allele CA345439962.
Genomic context (GRCh38, chr1:241,512,022, plus strand): 5'-CTGACCTGGCTTTTATTAACATGATCGTTGGGATGCACAGGTATCTTGCTGCCAAGTTCA[C>A]CTCCTAACATTTCAATTGCTCTATTGCTAATGACTTCATTTACATTCATATTTGTCTGAG-3'
Protein context (NP_000134.2, residues 157-177): ISNRAIEMLG[Gly167Val]ELGSKIPVHP